The following is an entry in ClinVar:

ClinVar aggregate classification (germline): Uncertain significance (1 of 4 stars; one submission).

Conditions:
Hereditary cancer-predisposing syndrome. Also called: Neoplastic Syndromes, Hereditary; Tumor predisposition; Hereditary Cancer Syndrome; Hereditary neoplastic syndrome. Identifiers: Orphanet 140162, MedGen C0027672, MeSH D009386, MONDO:0015356.

Submission:

Ambry Genetics
Classification: Uncertain significance for Hereditary cancer-predisposing syndrome. Last evaluated: 2026-05-23. Review status: criteria provided, single submitter. Criteria: Ambry Variant Classification Scheme 2023. Collection method: clinical testing. Allele origin: germline.
Comment: The p.K920R variant (also known as c.2759A>G), located in coding exon 11 of the MET gene, results from an A to G substitution at nucleotide position 2759. The lysine at codon 920 is replaced by arginine, an amino acid with highly similar properties. This amino acid position is conserved. In addition, this alteration is predicted to be tolerated by in silico analysis. Based on the available evidence, the clinical significance of this variant remains unclear.

NM_000245.4(MET):c.2705A>G (p.Lys902Arg)

Gene: MET (MET proto-oncogene, receptor tyrosine kinase; plus strand). Cytogenetic location: 7q31.2.
Variant type: single nucleotide variant.
Coding change: c.2705A>G on transcript NM_000245.4 (MANE Select); coding-DNA position 2705, A replaced by G.
Protein change: p.Lys902Arg; replaces lysine 902 with arginine.
Molecular consequence: missense variant.
Genome position (GRCh38, 1-based): chr7:116,769,766, A>G. VCF-style: chr7-116769766-A-G. GRCh37 (hg19) VCF-style: chr7-116409820-A-G.
Other names: c.2759A>G, p.Lys920Arg (NM_001127500.3); c.2705A>G, p.Lys902Arg (NM_001324401.3); c.1415A>G, p.Lys472Arg (NM_001324402.2); short protein forms K472R, K902R, K920R.
Identifiers: ClinVar variation 4859995 (VCV004859995.1).